The following is an entry in ClinVar:

NM_015355.4(SUZ12):c.2006T>C (p.Ile669Thr)

Gene: SUZ12 (SUZ12 polycomb repressive complex 2 subunit; plus strand). Cytogenetic location: 17q11.2.
Variant type: single nucleotide variant.
Coding change: c.2006T>C on transcript NM_015355.4 (MANE Select); coding-DNA position 2006, T replaced by C.
Protein change: p.Ile669Thr; replaces isoleucine 669 with threonine.
Molecular consequence: missense variant.
Genome position (GRCh38, 1-based): chr17:31,998,789, T>C. VCF-style: chr17-31998789-T-C. GRCh37 (hg19) VCF-style: chr17-30325808-T-C.
Other names: c.1937T>C, p.Ile646Thr (NM_001321207.2); short protein forms I646T, I669T.
Identifiers: ClinVar variation 1315384 (VCV001315384.2), dbSNP rs1910113550, ClinGen allele CA399036478.

ClinVar aggregate classification (germline): Uncertain significance (1 of 4 stars; one submission).

Allele frequency attached by ClinVar (database versions not stated): gnomAD exomes below 0.00001; gnomAD 0.00001.
gnomAD v4.1: 3 of 1,613,016 alleles (0.00019%); highest among the groups gnomAD compares: South Asian, 0.0011%; no homozygotes.

Submission:

GeneDx
Classification: Uncertain significance. Last evaluated: 2020-02-16. Review status: criteria provided, single submitter. Criteria: GeneDx Variant Classification Process June 2021. Collection method: clinical testing. Allele origin: germline. Affected: yes.
Comment: Not observed in large population cohorts (Lek et al., 2016); In silico analysis supports that this missense variant has a deleterious effect on protein structure/function; Has not been previously published as pathogenic or benign to our knowledge